The following is an entry in ClinVar:

ClinVar aggregate classification (germline): Uncertain significance (1 of 4 stars; one submission).

Conditions:
Dyskeratosis congenita. Identifiers: Orphanet 1775, MedGen C0265965, MONDO:0015780.

Submission:

Labcorp Genetics (formerly Invitae), Labcorp
Classification: Uncertain significance for Dyskeratosis congenita. Last evaluated: 2024-09-25. Review status: criteria provided, single submitter. Criteria: Invitae Variant Classification Sherloc (09022015). Collection method: clinical testing. Allele origin: germline.
Comment: This sequence change replaces alanine, which is neutral and non-polar, with aspartic acid, which is acidic and polar, at codon 273 of the TINF2 protein (p.Ala273Asp). This variant is not present in population databases (gnomAD no frequency). This variant has not been reported in the literature in individuals affected with TINF2-related conditions. An algorithm developed to predict the effect of missense changes on protein structure and function (PolyPhen-2) suggests that this variant is likely to be tolerated. In summary, the available evidence is currently insufficient to determine the role of this variant in disease. Therefore, it has been classified as a Variant of Uncertain Significance.

NM_001099274.3(TINF2):c.818C>A (p.Ala273Asp)

Gene: TINF2 (TERF1 interacting nuclear factor 2; minus strand). Cytogenetic location: 14q12.
Variant type: single nucleotide variant.
Coding change: c.818C>A on transcript NM_001099274.3 (MANE Select); coding-DNA position 818, C replaced by A.
Protein change: p.Ala273Asp; replaces alanine 273 with aspartic acid.
Molecular consequence: missense variant.
Genome position (GRCh38, 1-based): chr14:24,240,662, G>T on the plus strand (C>A on the coding strand, the complement: TINF2 is on the minus strand). VCF-style: chr14-24240662-G-T. GRCh37 (hg19) VCF-style: chr14-24709868-G-T.
Other names: c.713C>A, p.Ala238Asp (NM_001363668.2); c.818C>A, p.Ala273Asp (NM_012461.3); short protein forms A238D, A273D.
Identifiers: ClinVar variation 3707894 (VCV003707894.2).
Genomic context (GRCh38, chr14:24,240,662, plus strand): 5'-AGATTCCTAAAGGGAAACAGCATGACTGTGGGGCGCTCCTTATGGCCTCCCCTAGTGGAG[G>T]CCCATTGGGACTGAACTCTTCGTCGGCCTAGAGGGGCCAGATTGAAGTGTCGGCCAGCTA-3'
Protein context (NP_001092744.1, residues 263-283): LGRRRVQSQW[Ala273Asp]STRGGHKERP